The following is an entry in ClinVar:

NM_003737.4(DCHS1):c.8375A>G (p.Asn2792Ser)

Gene: DCHS1 (dachsous cadherin-related 1; minus strand). Cytogenetic location: 11p15.4.
Variant type: single nucleotide variant.
Coding change: c.8375A>G on transcript NM_003737.4 (MANE Select); coding-DNA position 8375, A replaced by G.
Protein change: p.Asn2792Ser; replaces asparagine 2792 with serine.
Molecular consequence: missense variant.
Genome position (GRCh38, 1-based): chr11:6,623,301, T>C on the plus strand (A>G on the coding strand, the complement: DCHS1 is on the minus strand). VCF-style: chr11-6623301-T-C. GRCh37 (hg19) VCF-style: chr11-6644532-T-C.
Other names: short protein forms N2792S.
Identifiers: ClinVar variation 1349820 (VCV001349820.6), dbSNP rs771601009, ClinGen allele CA5859430.

ClinVar aggregate classification (germline): Uncertain significance (1 of 4 stars; one submission).

Allele frequency attached by ClinVar (database versions not stated): gnomAD exomes 0.00001; ExAC 0.00006.
gnomAD v4.1: 8 of 1,590,152 alleles (0.0005%); highest among the groups gnomAD compares: Non-Finnish European, 0.00068%; no homozygotes.

Submission:

Labcorp Genetics (formerly Invitae), Labcorp
Classification: Uncertain significance. Last evaluated: 2022-07-19. Review status: criteria provided, single submitter. Criteria: Invitae Variant Classification Sherloc (09022015). Collection method: clinical testing. Allele origin: germline.
Comment: In summary, the available evidence is currently insufficient to determine the role of this variant in disease. Therefore, it has been classified as a Variant of Uncertain Significance. Advanced modeling of protein sequence and biophysical properties (such as structural, functional, and spatial information, amino acid conservation, physicochemical variation, residue mobility, and thermodynamic stability) performed at Invitae indicates that this missense variant is not expected to disrupt DCHS1 protein function. ClinVar contains an entry for this variant (Variation ID: 1349820). This variant has not been reported in the literature in individuals affected with DCHS1-related conditions. This variant is present in population databases (rs771601009, gnomAD 0.003%). This sequence change replaces asparagine, which is neutral and polar, with serine, which is neutral and polar, at codon 2792 of the DCHS1 protein (p.Asn2792Ser).